The following is an entry in ClinVar:

ClinVar aggregate classification (germline): Uncertain significance (1 of 4 stars; one submission).

Conditions:
Hereditary nonpolyposis colorectal neoplasms. Identifiers: MedGen C0009405, MeSH D003123.

Submission:

Labcorp Genetics (formerly Invitae), Labcorp
Classification: Uncertain significance for Hereditary nonpolyposis colorectal neoplasms. Last evaluated: 2024-06-03. Review status: criteria provided, single submitter. Criteria: Invitae Variant Classification Sherloc (09022015). Collection method: clinical testing. Allele origin: germline.
Comment: This sequence change replaces valine, which is neutral and non-polar, with leucine, which is neutral and non-polar, at codon 607 of the PMS2 protein (p.Val607Leu). This variant is not present in population databases (gnomAD no frequency). This variant has not been reported in the literature in individuals affected with PMS2-related conditions. ClinVar contains an entry for this variant (Variation ID: 938154). Advanced modeling of protein sequence and biophysical properties (such as structural, functional, and spatial information, amino acid conservation, physicochemical variation, residue mobility, and thermodynamic stability) performed at Invitae indicates that this missense variant is expected to disrupt PMS2 protein function with a positive predictive value of 80%. In summary, the available evidence is currently insufficient to determine the role of this variant in disease. Therefore, it has been classified as a Variant of Uncertain Significance.

NM_000535.7(PMS2):c.1819G>T (p.Val607Leu)

Gene: PMS2 (PMS1 homolog 2, mismatch repair system component; minus strand). Cytogenetic location: 7p22.1.
Variant type: single nucleotide variant.
Coding change: c.1819G>T on transcript NM_000535.7 (MANE Select); coding-DNA position 1819, G replaced by T.
Protein change: p.Val607Leu; replaces valine 607 with leucine.
Molecular consequence: missense variant. On other transcripts: non-coding transcript variant (1).
Genome position (GRCh38, 1-based): chr7:5,986,946, C>A on the plus strand (G>T on the coding strand, the complement: PMS2 is on the minus strand). VCF-style: chr7-5986946-C-A. GRCh37 (hg19) VCF-style: chr7-6026577-C-A.
Other names: c.1414G>T, p.Val472Leu (NM_001322003.2, NM_001322004.2, NM_001322005.2 and 1 more transcripts); c.1663G>T, p.Val555Leu (NM_001322006.2); c.1501G>T, p.Val501Leu (NM_001322007.2, NM_001322008.2); c.1258G>T, p.Val420Leu (NM_001322010.2); c.886G>T, p.Val296Leu (NM_001322011.2, NM_001322012.2); c.1246G>T, p.Val416Leu (NM_001322013.2); c.1819G>T, p.Val607Leu (NM_001322014.2); c.1510G>T, p.Val504Leu (NM_001322015.2); short protein forms V296L, V472L, V607L, V416L, V420L, V504L, V555L, V501L.
Identifiers: ClinVar variation 938154 (VCV000938154.6), dbSNP rs786204109, ClinGen allele CA366739713.